The following is an entry in ClinVar:

NM_001349338.3(FOXP1):c.706A>T (p.Thr236Ser)

Gene: FOXP1 (forkhead box P1; minus strand). Cytogenetic location: 3p13.
Variant type: single nucleotide variant.
Coding change: c.706A>T on transcript NM_001349338.3 (MANE Select); coding-DNA position 706, A replaced by T.
Protein change: p.Thr236Ser; replaces threonine 236 with serine.
Molecular consequence: missense variant. On other transcripts: non-coding transcript variant (2).
Genome position (GRCh38, 1-based): chr3:71,041,491, T>A on the plus strand (A>T on the coding strand, the complement: FOXP1 is on the minus strand). VCF-style: chr3-71041491-T-A. GRCh37 (hg19) VCF-style: chr3-71090642-T-A.
Other names: c.706A>T, p.Thr236Ser (NM_001244808.3, NM_001244810.2, NM_001244814.3 and 4 more transcripts); c.478A>T, p.Thr160Ser (NM_001244812.3); c.406A>T, p.Thr136Ser (NM_001244813.3, NM_001244815.2, NM_001349342.3 and 1 more transcripts); c.403A>T, p.Thr135Ser (NM_001349337.2, NM_001349343.3, NM_001349344.3); c.703A>T, p.Thr235Ser (NM_001349341.3); short protein forms T236S, T235S, T136S, T160S, T135S.
Identifiers: ClinVar variation 2803803 (VCV002803803.3), dbSNP rs1207635648, ClinGen allele CA353562897.

ClinVar aggregate classification (germline): Uncertain significance (1 of 4 stars; one submission).

Allele frequency attached by ClinVar (database versions not stated): TOPMed below 0.00001.
gnomAD v4.1: 17 of 1,613,884 alleles (0.0011%); highest among the groups gnomAD compares: Non-Finnish European, 0.0014%; no homozygotes.

Submission:

Labcorp Genetics (formerly Invitae), Labcorp
Classification: Uncertain significance. Last evaluated: 2023-11-18. Review status: criteria provided, single submitter. Criteria: Invitae Variant Classification Sherloc (09022015). Collection method: clinical testing. Allele origin: germline.
Comment: This sequence change replaces threonine, which is neutral and polar, with serine, which is neutral and polar, at codon 236 of the FOXP1 protein (p.Thr236Ser). This variant is not present in population databases (gnomAD no frequency). This variant has not been reported in the literature in individuals affected with FOXP1-related conditions. Advanced modeling of protein sequence and biophysical properties (such as structural, functional, and spatial information, amino acid conservation, physicochemical variation, residue mobility, and thermodynamic stability) performed at Invitae indicates that this missense variant is not expected to disrupt FOXP1 protein function with a negative predictive value of 95%. In summary, the available evidence is currently insufficient to determine the role of this variant in disease. Therefore, it has been classified as a Variant of Uncertain Significance.